The following is an entry in ClinVar:

ClinVar aggregate classification (germline): Uncertain significance. Review status: criteria provided, single submitter (1 of 4 stars). 2 submissions from 2 submitters: Uncertain significance (1). 1 of the submissions does not count toward it. Last evaluated 2021-10-01.

Conditions:
Cardiovascular phenotype. Identifiers: MedGen CN230736.
Hereditary cancer-predisposing syndrome. Also called: Neoplastic Syndromes, Hereditary; Tumor predisposition; Hereditary Cancer Syndrome; Hereditary neoplastic syndrome. Identifiers: Orphanet 140162, MedGen C0027672, MeSH D009386, MONDO:0015356.
NF1-related disorder. Also called: NF1-related condition. Identifiers: MedGen CN379171.

Submissions (2):

Ambry Genetics
Classification: Uncertain significance for Cardiovascular phenotype; Hereditary cancer-predisposing syndrome. Last evaluated: 2021-10-01. Review status: criteria provided, single submitter. Criteria: Ambry Variant Classification Scheme 2023. Collection method: clinical testing. Allele origin: germline.
Comment: The p.S2121I variant (also known as c.6362G>T), located in coding exon 41 of the NF1 gene, results from a G to T substitution at nucleotide position 6362. The serine at codon 2121 is replaced by isoleucine, an amino acid with dissimilar properties. This amino acid position is highly conserved in available vertebrate species. In addition, this alteration is predicted to be deleterious by in silico analysis. Since supporting evidence is limited at this time, the clinical significance of this alteration remains unclear.

PreventionGenetics, part of Exact Sciences
Classification: Uncertain significance for NF1-related condition. Last evaluated: 2024-09-05. Review status: no assertion criteria provided. Collection method: clinical testing. Allele origin: germline. Not counted in ClinVar's aggregate classification.
Comment: The NF1 c.6425G>T variant is predicted to result in the amino acid substitution p.Ser2142Ile. To our knowledge, this variant has not been reported in the literature or in a large population database, indicating this variant is rare. At this time, the clinical significance of this variant is uncertain due to the absence of conclusive functional and genetic evidence.

NM_001042492.3(NF1):c.6425G>T (p.Ser2142Ile)

Gene: NF1 (neurofibromin 1; plus strand). Cytogenetic location: 17q11.2.
Variant type: single nucleotide variant.
Coding change: c.6425G>T on transcript NM_001042492.3 (MANE Select); coding-DNA position 6425, G replaced by T.
Protein change: p.Ser2142Ile; replaces serine 2142 with isoleucine.
Molecular consequence: missense variant.
Genome position (GRCh38, 1-based): chr17:31,336,912, G>T. VCF-style: chr17-31336912-G-T. GRCh37 (hg19) VCF-style: chr17-29663930-G-T.
Other names: c.6362G>T, p.Ser2121Ile (NM_000267.4); short protein forms S2142I, S2121I.
Identifiers: ClinVar variation 1753068 (VCV001753068.3), dbSNP rs876658896, ClinGen allele CA399012968.